The following is an entry in ClinVar:

ClinVar aggregate classification (germline): Likely benign (1 of 4 stars; one submission).

Conditions:
Von Hippel-Lindau syndrome (VHLS). Also called: Von Hippel-Lindau; von Hippel–Lindau syndrome; VHL syndrome. Identifiers: Orphanet 892, MedGen C0019562, MONDO:0008667, OMIM 193300. Disease mechanism: loss of function.

Submission:

Myriad Genetics, Inc.
Classification: Likely benign for Von Hippel-Lindau syndrome. Last evaluated: 2025-06-11. Review status: criteria provided, single submitter. Criteria: Myriad Autosomal Dominant, Autosomal Recessive and X-Linked Classification Criteria (2023). Collection method: clinical testing. Allele origin: unknown.
Comment: This variant is considered likely benign. This variant is intronic and is not expected to impact mRNA splicing.

NM_000551.4(VHL):c.340+9C>G

Gene: VHL (von Hippel-Lindau tumor suppressor; plus strand). Cytogenetic location: 3p25.3.
Variant type: single nucleotide variant.
Coding change: c.340+9C>G on transcript NM_000551.4 (MANE Select); 9 bases into the intron after coding-DNA position 340, C replaced by G.
Molecular consequence: intron variant.
Genome position (GRCh38, 1-based): chr3:10,142,196, C>G. VCF-style: chr3-10142196-C-G. GRCh37 (hg19) VCF-style: chr3-10183880-C-G.
Other names: c.340+9C>G (NM_001354723.2, NM_198156.3).
Identifiers: ClinVar variation 4071152 (VCV004071152.1).